The following is an entry in ClinVar:

NM_006940.6(SOX5):c.1004dup (p.Leu336fs)

Gene: SOX5 (SRY-box transcription factor 5; minus strand). Cytogenetic location: 12p12.1.
Variant type: Duplication.
Coding change: c.1004dup on transcript NM_006940.6 (MANE Select); coding-DNA position 1004, one base duplicated (C; older notation c.1004dupC).
Protein change: p.Leu336fs; shifts the reading frame from leucine 336.
Molecular consequence: frameshift variant.
Genome position (GRCh38, 1-based): chr12:23,640,825, G duplicated on the plus strand (C on the coding strand, the reverse complement: SOX5 is on the minus strand); the first of 3 consecutive G bases (chr12:23,640,825-23,640,827); duplicating any one gives the same sequence. VCF-style (leftmost placement, unchanged base first): chr12-23640824-T-TG. GRCh37 (hg19) VCF-style: chr12-23793758-T-TG.
Other names: c.965dup, p.Leu323fs (NM_001261414.3, NM_152989.5); c.974dup, p.Leu326fs (NM_001261415.3); c.899dup, p.Leu301fs (NM_001330785.2); c.1004dupC (NM_006940.6); short protein forms L301fs, L323fs, L326fs, L336fs.
Identifiers: ClinVar variation 4688730 (VCV004688730.1).
Genomic context (GRCh38, chr12:23,640,824, plus strand): 5'-TCGATATTTACTTAACCTTTGTCTCCTCTGTATTGTTTCCTGACTTACCTGCAGTTGGAG[T>TG]GGGCCTAAGCCTGGTGTTGCTGCGGCAGCAGCTGCCATGGTAGTTGGGATCAGCTGAACA-3'

ClinVar aggregate classification (germline): Pathogenic (1 of 4 stars; one submission).

Conditions:
Lamb-Shaffer syndrome. Identifiers: Orphanet 313884, Orphanet 313892, Orphanet 530983, MedGen C4225202, MONDO:0014778, OMIM 616803.

Submission:

Women's Health and Genetics/Laboratory Corporation of America, LabCorp
Classification: Pathogenic for Lamb-Shaffer syndrome. Last evaluated: 2025-12-29. Review status: criteria provided, single submitter. Criteria: LabCorp Variant Classification Summary - May 2015. Collection method: clinical testing. Allele origin: germline.
Comment: Variant summary: SOX5 c.1004dupC (p.Leu336ThrfsX55) results in a premature termination codon, predicted to cause a truncation of the encoded protein or absence of the protein due to nonsense mediated decay, which are commonly known mechanisms for disease. The variant was absent in 251352 control chromosomes. To our knowledge, no occurrence of c.1004dupC in individuals affected with SOX5-related conditions and no experimental evidence demonstrating its impact on protein function have been reported. No submitters have cited clinical-significance assessments for this variant to ClinVar. Based on the evidence outlined above, the variant was classified as pathogenic.